The following is an entry in ClinVar:

NM_000038.6(APC):c.6926C>A (p.Pro2309His)

Gene: APC (APC regulator of Wnt signaling pathway; plus strand). Cytogenetic location: 5q22.2.
Variant type: single nucleotide variant.
Coding change: c.6926C>A on transcript NM_000038.6 (MANE Select); coding-DNA position 6926, C replaced by A.
Protein change: p.Pro2309His; replaces proline 2309 with histidine.
Molecular consequence: missense variant.
Genome position (GRCh38, 1-based): chr5:112,842,520, C>A. VCF-style: chr5-112842520-C-A. GRCh37 (hg19) VCF-style: chr5-112178217-C-A.
Other names: c.6749C>A, p.Pro2250His (NM_001354901.2, NM_001407453.1); c.6653C>A, p.Pro2218His (NM_001354902.2); c.6623C>A, p.Pro2208His (NM_001354903.2, NM_001407458.1, NM_001407459.1 and 1 more transcripts); c.6548C>A, p.Pro2183His (NM_001354904.2); c.6446C>A, p.Pro2149His (NM_001354905.2); c.6077C>A, p.Pro2026His (NM_001354906.2, NM_001407470.1); c.7010C>A, p.Pro2337His (NM_001407446.1); c.6980C>A, p.Pro2327His (NM_001407447.1, NM_001407448.1, NM_001407449.1 and 1 more transcripts); and 11 more; short protein forms P2026H, P2149H, P2180H, P2309H, P2327H, P2250H, P2284H, P2302H.
Identifiers: ClinVar variation 2099259 (VCV002099259.4), dbSNP rs1060503329, ClinGen allele CA16036439.
Genomic context (GRCh38, chr5:112,842,520, plus strand): 5'-CATCCCAAATAGGTGGGTCAAGTAAAGCACCTTCTAGATCAGGATCTAGAGATTCGACCC[C>A]TTCAAGACCTGCCCAGCAACCATTAAGTAGACCTATACAGTCTCCTGGCCGAAACTCAAT-3'
Protein context (NP_000029.2, residues 2299-2319): PSRSGSRDST[Pro2309His]SRPAQQPLSR

ClinVar aggregate classification (germline): Uncertain significance (1 of 4 stars; one submission).

Conditions:
Familial adenomatous polyposis 1 (FAP1). Also called: FAMILIAL ADENOMATOUS POLYPOSIS 1, ATTENUATED; POLYPOSIS, ADENOMATOUS INTESTINAL. Identifiers: MedGen C2713442, MONDO:0021056, OMIM 175100. Disease mechanism: loss of function.

Submission:

Labcorp Genetics (formerly Invitae), Labcorp
Classification: Uncertain significance for Familial adenomatous polyposis 1. Last evaluated: 2022-02-19. Review status: criteria provided, single submitter. Criteria: Invitae Variant Classification Sherloc (09022015). Collection method: clinical testing. Allele origin: germline.
Comment: In summary, the available evidence is currently insufficient to determine the role of this variant in disease. Therefore, it has been classified as a Variant of Uncertain Significance. Algorithms developed to predict the effect of missense changes on protein structure and function are either unavailable or do not agree on the potential impact of this missense change (SIFT: "Deleterious"; PolyPhen-2: "Probably Damaging"; Align-GVGD: "Class C0"). This variant has not been reported in the literature in individuals affected with APC-related conditions. This variant is not present in population databases (gnomAD no frequency). This sequence change replaces proline, which is neutral and non-polar, with histidine, which is basic and polar, at codon 2309 of the APC protein (p.Pro2309His).